The following is an entry in ClinVar:

NM_018122.5(DARS2):c.1433T>C (p.Phe478Ser)

Gene: DARS2 (aspartyl-tRNA synthetase 2, mitochondrial; plus strand). Cytogenetic location: 1q25.1.
Variant type: single nucleotide variant.
Coding change: c.1433T>C on transcript NM_018122.5 (MANE Select); coding-DNA position 1433, T replaced by C.
Protein change: p.Phe478Ser; replaces phenylalanine 478 with serine.
Molecular consequence: missense variant.
Genome position (GRCh38, 1-based): chr1:173,853,437, T>C. VCF-style: chr1-173853437-T-C. GRCh37 (hg19) VCF-style: chr1-173822575-T-C.
Other names: NM_018122.5(DARS2):c.1433T>C; p.Phe478Ser; c.1280T>C, p.Phe427Ser (NM_001365212.1); short protein forms F427S, F478S.
Identifiers: ClinVar variation 2202882 (VCV002202882.6), dbSNP rs774738795, ClinGen allele CA1250422.
Genomic context (GRCh38, chr1:173,853,437, plus strand): 5'-AATGTGCTGACCTTCTAGAAACAAGAGGAGTGGTGCTCCGTGACCCCACTCTGTTCTCTT[T>C]CCTTTGGGTGGTAGATTTCCCACTCTTCCTGCCCAAGGAGGAAAATCCCAGAGAGCTGGA-3'
Protein context (NP_060592.2, residues 468-488): VVLRDPTLFS[Phe478Ser]LWVVDFPLFL

ClinVar aggregate classification (germline): Uncertain significance. Review status: criteria provided, multiple submitters, no conflicts (2 of 4 stars). 3 submissions from 3 submitters: Uncertain significance (3). Last evaluated 2025-01-21.

Conditions:
Leukoencephalopathy with brain stem and spinal cord involvement-high lactate syndrome (LBSL). Also called: Leukoencephalopathy with Brainstem and Spinal Cord Involvement and Lactate Elevation; LEUKOENCEPHALOPATHY WITH BRAINSTEM AND SPINAL CORD INVOLVEMENT AND LACTATE ELEVATION, MILD; MITOCHONDRIAL ASPARTYL-tRNA SYNTHETASE DEFICIENCY. Identifiers: Orphanet 137898, MedGen C1970180, MONDO:0012622, OMIM 611105.

Allele frequency attached by ClinVar (database versions not stated): gnomAD 0.00001; TOPMed 0.00001; ExAC 0.00003; gnomAD exomes 0.00006.
gnomAD v4.1: 82 of 1,613,992 alleles (0.0051%); highest among the groups gnomAD compares: Non-Finnish European, 0.0069%; no homozygotes.

Submissions (3):

Broad Center for Mendelian Genomics, Broad Institute of MIT and Harvard
Classification: Uncertain significance for Leukoencephalopathy with brain stem and spinal cord involvement-high lactate syndrome. Last evaluated: 2025-01-21. Review status: criteria provided, single submitter. Criteria: ACMG Guidelines, 2015. Collection method: curation. Allele origin: germline. Inheritance: Autosomal recessive inheritance.
Comment: The p.Phe478Ser variant in DARS2 has been reported in 1 individual, in the compound heterozygous state, with leukoencephalopathy with brain stem and spinal cord involvement-high lactate syndrome (PMID: 28334938), and has been identified in 0.007% (82/1180034) of European (non-Finnish) chromosomes by the Genome Aggregation Database (gnomAD; dbSNP rs774738795). Although this variant has been seen in the general population in a heterozygous state, its frequency is low enough to be consistent with a recessive carrier frequency. This variant has also been reported in ClinVar (Variation ID: 2202882) and has been interpreted as a variant of uncertain significance by Invitae. Computational prediction tools and conservation analyses suggest that this variant may impact the protein, though this information is not predictive enough to determine pathogenicity. In summary, the clinical significance of the p.Phe478Ser variant is uncertain. ACMG/AMP Criteria applied: PP3_moderate, PM2_supporting, PM3_supporting (Richards 2015).

Blueprint Genetics
Classification: Uncertain significance. Last evaluated: 2023-03-07. Review status: criteria provided, single submitter. Criteria: ACMG Guidelines, 2015. Collection method: clinical testing. Allele origin: germline.

Labcorp Genetics (formerly Invitae), Labcorp
Classification: Uncertain significance. Last evaluated: 2022-10-13. Review status: criteria provided, single submitter. Criteria: Invitae Variant Classification Sherloc (09022015). Collection method: clinical testing. Allele origin: germline.
Comment: This sequence change replaces phenylalanine, which is neutral and non-polar, with serine, which is neutral and polar, at codon 478 of the DARS2 protein (p.Phe478Ser). This variant is present in population databases (rs774738795, gnomAD 0.005%). This missense change has been observed in individual(s) with clinical features of leukoencephalopathy (PMID: 28334938). This variant is also known as p.F479S. Advanced modeling of protein sequence and biophysical properties (such as structural, functional, and spatial information, amino acid conservation, physicochemical variation, residue mobility, and thermodynamic stability) has been performed at Invitae for this missense variant, however the output from this modeling did not meet the statistical confidence thresholds required to predict the impact of this variant on DARS2 protein function. In summary, the available evidence is currently insufficient to determine the role of this variant in disease. Therefore, it has been classified as a Variant of Uncertain Significance.

Literature cited by the submitters: PubMed 28334938 (cited by Labcorp Genetics (formerly Invitae), Labcorp).